The following is an entry in ClinVar:

ClinVar aggregate classification (germline): Uncertain significance (1 of 4 stars; one submission).

Conditions:
Familial hemophagocytic lymphohistiocytosis 3 (FHL3). Also called: UNC13D-Related Familial Hemophagocytic Lymphohistiocytosis (UNC13D-fHLH). Identifiers: Orphanet 540, MedGen C1837174, MONDO:0012146, OMIM 608898.

Submission:

Labcorp Genetics (formerly Invitae), Labcorp
Classification: Uncertain significance for Familial hemophagocytic lymphohistiocytosis 3. Last evaluated: 2022-11-25. Review status: criteria provided, single submitter. Criteria: Invitae Variant Classification Sherloc (09022015). Collection method: clinical testing. Allele origin: germline.
Comment: This sequence change replaces serine, which is neutral and polar, with proline, which is neutral and non-polar, at codon 350 of the UNC13D protein (p.Ser350Pro). This variant is not present in population databases (gnomAD no frequency). This variant has not been reported in the literature in individuals affected with UNC13D-related conditions. ClinVar contains an entry for this variant (Variation ID: 1372989). Advanced modeling of protein sequence and biophysical properties (such as structural, functional, and spatial information, amino acid conservation, physicochemical variation, residue mobility, and thermodynamic stability) performed at Invitae indicates that this missense variant is not expected to disrupt UNC13D protein function. In summary, the available evidence is currently insufficient to determine the role of this variant in disease. Therefore, it has been classified as a Variant of Uncertain Significance.

NM_199242.3(UNC13D):c.1048T>C (p.Ser350Pro)

Gene: UNC13D (unc-13 homolog D; minus strand). Cytogenetic location: 17q25.1.
Variant type: single nucleotide variant.
Coding change: c.1048T>C on transcript NM_199242.3 (MANE Select); coding-DNA position 1048, T replaced by C.
Protein change: p.Ser350Pro; replaces serine 350 with proline.
Molecular consequence: missense variant.
Genome position (GRCh38, 1-based): chr17:75,839,846, A>G on the plus strand (T>C on the coding strand, the complement: UNC13D is on the minus strand). VCF-style: chr17-75839846-A-G. GRCh37 (hg19) VCF-style: chr17-73835927-A-G.
Other names: short protein forms S350P.
Identifiers: ClinVar variation 1372989 (VCV001372989.6), dbSNP rs1364911644, ClinGen allele CA401105852.